The following is an entry in ClinVar:

NC_000022.10:g.(?_32150888)_(32164869_?)del

Gene: DEPDC5 (DEP domain containing 5, GATOR1 subcomplex subunit; plus strand). Cytogenetic location: 22q12.2.
Variant type: Deletion.
Identifiers: ClinVar variation 1073185 (VCV001073185.1).

ClinVar aggregate classification (germline): Pathogenic (1 of 4 stars; one submission).

Conditions:
Familial focal epilepsy with variable foci (FPEVF). Identifiers: Orphanet 98820, MedGen C1858477, MONDO:0020310.

Submission:

Labcorp Genetics (formerly Invitae), Labcorp
Classification: Pathogenic for Familial focal epilepsy with variable foci. Last evaluated: 2020-02-17. Review status: criteria provided, single submitter. Criteria: Invitae Variant Classification Sherloc (09022015). Collection method: clinical testing. Allele origin: germline.
Comment: This variant is a gross deletion of the genomic region encompassing exons 2-7 of the DEPDC5 gene, which includes the initiator codon. The 5' end of this event is unknown as it extends beyond the assayed region for this gene and therefore may encompass additional genes. The 3' boundary is likely confined to intron 7 of the DEPDC5 gene. This is expected to result in an absent or disrupted protein product. This variant has not been reported in the literature in individuals with DEPDC5-related conditions. Loss-of-function variants in DEPDC5 are known to be pathogenic (PMID: 23542697, 23542701). For these reasons, this variant has been classified as Pathogenic.

Literature cited by the submitters: PubMed 23542697; PubMed 23542701.